The following is an entry in ClinVar:

ClinVar aggregate classification (germline): Uncertain significance (1 of 4 stars; one submission).

Conditions:
Short-rib thoracic dysplasia 11 with or without polydactyly (SRTD11). Also called: SHORT-RIB THORACIC DYSPLASIA 11 WITHOUT POLYDACTYLY. Identifiers: Orphanet 474, Orphanet 93271, MedGen C3810200, MONDO:0014287, OMIM 615633.

Submission:

Labcorp Genetics (formerly Invitae), Labcorp
Classification: Uncertain significance for Short-rib thoracic dysplasia 11 with or without polydactyly. Last evaluated: 2024-04-05. Review status: criteria provided, single submitter. Criteria: Invitae Variant Classification Sherloc (09022015). Collection method: clinical testing. Allele origin: germline.
Comment: This sequence change falls in intron 6 of the WDR34 gene. It does not directly change the encoded amino acid sequence of the WDR34 protein. It affects a nucleotide within the consensus splice site. This variant is not present in population databases (gnomAD no frequency). This variant has not been reported in the literature in individuals affected with WDR34-related conditions. ClinVar contains an entry for this variant (Variation ID: 2003231). Variants that disrupt the consensus splice site are a relatively common cause of aberrant splicing (PMID: 17576681, 9536098). Algorithms developed to predict the effect of sequence changes on RNA splicing suggest that this variant is not likely to affect RNA splicing. In summary, the available evidence is currently insufficient to determine the role of this variant in disease. Therefore, it has been classified as a Variant of Uncertain Significance.

Literature cited by the submitters: PubMed 17576681; PubMed 9536098.

NM_052844.4(DYNC2I2):c.981+4C>G

Genes: DYNC2I2 (dynein 2 intermediate chain 2; minus strand), LOC126860772 (CDK7 strongly-dependent group 2 enhancer GRCh37_chr9:131396972-131398171; plus strand). Cytogenetic location: 9q34.11.
Variant type: single nucleotide variant.
Coding change: c.981+4C>G on transcript NM_052844.4 (MANE Select); 4 bases into the intron after coding-DNA position 981, C replaced by G.
Molecular consequence: intron variant.
Genome position (GRCh38, 1-based): chr9:128,635,088, G>C on the plus strand (C>G on the coding strand, the complement: DYNC2I2 is on the minus strand). VCF-style: chr9-128635088-G-C. GRCh37 (hg19) VCF-style: chr9-131397367-G-C.
Identifiers: ClinVar variation 2003231 (VCV002003231.4), dbSNP rs375985561, ClinGen allele CA2580079788.